The following is an entry in ClinVar:

NM_000143.4(FH):c.883G>A (p.Ala295Thr)

Gene: FH (fumarate hydratase; minus strand). Cytogenetic location: 1q43.
Variant type: single nucleotide variant.
Coding change: c.883G>A on transcript NM_000143.4 (MANE Select); coding-DNA position 883, G replaced by A.
Protein change: p.Ala295Thr; replaces alanine 295 with threonine.
Molecular consequence: missense variant.
Genome position (GRCh38, 1-based): chr1:241,506,024, C>T on the plus strand (G>A on the coding strand, the complement: FH is on the minus strand). VCF-style: chr1-241506024-C-T. GRCh37 (hg19) VCF-style: chr1-241669324-C-T.
Other names: short protein forms A295T.
Identifiers: ClinVar variation 41583 (VCV000041583.30), dbSNP rs145843819, ClinGen allele CA159740.

ClinVar aggregate classification (germline): Conflicting classifications of pathogenicity. Review status: criteria provided, conflicting classifications (1 of 4 stars). 11 submissions from 11 submitters: Uncertain significance (3); Likely benign (5). 3 of the submissions do not count toward it. Last evaluated 2026-03-31.

Conditions:
FH-related disorder. Also called: FH-related disorders; FH-related condition.
Hereditary cancer-predisposing syndrome. Also called: Hereditary neoplastic syndrome; Tumor predisposition; Hereditary Cancer Syndrome; Neoplastic Syndromes, Hereditary. Identifiers: Orphanet 140162, MedGen C0027672, MeSH D009386, MONDO:0015356.
Hereditary leiomyomatosis and renal cell cancer. Also called: MULTIPLE CUTANEOUS AND UTERINE LEIOMYOMATA 1, WITH OR WITHOUT RENAL CELL CARCINOMA; Multiple cutaneous leiomyomas; Reed syndrome; Multiple cutaneous and uterine leiomyomatosis; Cutaneous leiomyomata with uterine leiomyomata; Leiomyoma, hereditary multiple, of skin. Identifiers: Orphanet 523, MedGen C1708350, MONDO:0007888, OMIM 150800, HP:0007437. Disease mechanism: loss of function.
Fumarase deficiency (FMRD). Also called: Fumarate Hydratase Deficiency; Fumaric aciduria. Identifiers: Orphanet 24, MedGen C0342770, MONDO:0011730, OMIM 606812.

Allele frequency attached by ClinVar (database versions not stated): gnomAD exomes 0.00001 and 0.00003; ExAC 0.00003; TOPMed 0.00014; gnomAD 0.00016 and 0.00018; ESP Exome Variant Server 0.00038.

Submissions (11):

PreventionGenetics, part of Exact Sciences
Classification: Likely benign for FH-related condition. Last evaluated: 2026-03-31. Review status: criteria provided, single submitter. Criteria: ACMG Guidelines, 2015. Collection method: clinical testing. Allele origin: germline.
Comment: This variant is classified as likely benign based on ACMG/AMP sequence variant interpretation guidelines (Richards et al. 2015 PMID: 25741868, with internal and published modifications).

Labcorp Genetics (formerly Invitae), Labcorp
Classification: Likely benign. Last evaluated: 2026-02-03. Review status: criteria provided, single submitter. Criteria: Invitae Variant Classification Sherloc (09022015). Collection method: clinical testing. Allele origin: germline.

GeneDx
Classification: Uncertain significance. Last evaluated: 2025-03-05. Review status: criteria provided, single submitter. Criteria: GeneDx Variant Classification Process June 2021. Collection method: clinical testing. Allele origin: germline. Affected: yes.
Comment: Observed in at least one individual with unspecified cancer and in an individual with atherosclerosis (PMID: 22703879, 28873162); In silico analysis indicates that this missense variant does not alter protein structure/function; This variant is associated with the following publications: (PMID: 24728327, 28873162, 22703879)

Myriad Genetics, Inc.
Classification: Likely benign for Hereditary leiomyomatosis and renal cell cancer. Last evaluated: 2024-08-29. Review status: criteria provided, single submitter. Criteria: Myriad Autosomal Dominant, Autosomal Recessive and X-Linked Classification Criteria (2023). Collection method: clinical testing. Allele origin: unknown.
Comment: This variant is considered likely benign. This variant has been observed at a population frequency that is significantly greater than expected given the associated disease prevalence and penetrance.

ARUP Laboratories, Molecular Genetics and Genomics, ARUP Laboratories
Classification: Uncertain significance. Last evaluated: 2024-03-14. Review status: criteria provided, single submitter. Criteria: ARUP Molecular Germline Variant Investigation Process 2024. Collection method: clinical testing. Allele origin: germline.
Comment: The FH c.883G>A; p.Ala295Thr variant (rs145843819; ClinVar ID: 41583) is reported in the literature in an individual with unspecified cancer, although it was not demonstrated to be disease-causing (Mandelker 2017). This variant is found in the African population with an allele frequency of 0.05% (12/24,960 alleles) in the Genome Aggregation Database (v2.1.1). Computational analyses are uncertain whether this variant is neutral or deleterious (REVEL: 0.447). Due to limited information, the clinical significance of this variant is uncertain at this time. References: Mandelker D et al. Mutation Detection in Patients With Advanced Cancer by Universal Sequencing of Cancer-Related Genes in Tumor and Normal DNA vs Guideline-Based Germline Testing. JAMA. 2017 Sep 5;318(9):825-835. PMID: 28873162.

Quest Diagnostics Nichols Institute San Juan Capistrano
Classification: Likely benign. Last evaluated: 2023-04-23. Review status: criteria provided, single submitter. Criteria: Quest Diagnostics criteria. Collection method: clinical testing. Allele origin: unknown.

Sema4
Classification: Uncertain significance for Hereditary cancer-predisposing syndrome. Last evaluated: 2021-12-28. Review status: criteria provided, single submitter. Criteria: Sema4 Curation Guidelines. Collection method: curation. Allele origin: germline.
Comment: The FH c.883G>A (p.A295T) variant has been reported in heterozygosity in at least one individuals with advanced cancer (PMID: 28873162). It has also been observed in individuals unselected for hereditary cancer related phenotypes (PMID: 24728327, 22703879). It was observed in 12/24960 chromosomes of the African/African American subpopulation in the Genome Aggregation Database (PMID: 32461654). The variant has been reported in ClinVar (Variation ID 41583). Functional studies have not been performed, and in silico predictions of the variant's effect on protein function are inconclusive. The evidence is insufficient to meet ACMG/AMP criteria for classifying the variant as benign or pathogenic. Thus, the clinical significance of this variant is currently uncertain.

Ambry Genetics
Classification: Likely benign for Hereditary cancer-predisposing syndrome. Last evaluated: 2020-09-29. Review status: criteria provided, single submitter. Criteria: Ambry Variant Classification Scheme 2023. Collection method: clinical testing. Allele origin: germline.

Natera, Inc.
Classification: Uncertain significance for Fumarase deficiency. Last evaluated: 2020-09-16. Review status: no assertion criteria provided. Collection method: clinical testing. Allele origin: germline. Not counted in ClinVar's aggregate classification.

ITMI
No classification provided. Condition: AllHighlyPenetrant. Last evaluated: 2013-09-19. Review status: no classification provided. Collection method: reference population. Allele origin: germline. Not counted in ClinVar's aggregate classification.
Comment: Please see associated publication for description of ethnicities

Biesecker Lab/Clinical Genomics Section, National Institutes of Health
Classification: Uncertain significance. Last evaluated: 2012-07-13. Review status: no assertion criteria provided. Collection method: research. Allele origin: germline. Affected: no. Observed: 1 variant allele. Study: ClinSeq. Not counted in ClinVar's aggregate classification.
ClinVar note: Converted during submission from variant of unknown significance to Uncertain significance.

Literature cited by the submitters: PubMed 28873162 (cited by Quest Diagnostics Nichols Institute San Juan Capistrano and Sema4); PubMed 24728327 (cited by 3 submitters).